The following is an entry in ClinVar:

NM_152517.3(IFT70B):c.1861C>G (p.Leu621Val)

Gene: IFT70B (intraflagellar transport 70B; minus strand). Cytogenetic location: 2q31.2.
Variant type: single nucleotide variant.
Coding change: c.1861C>G on transcript NM_152517.3 (MANE Select); coding-DNA position 1861, C replaced by G.
Protein change: p.Leu621Val; replaces leucine 621 with valine.
Molecular consequence: missense variant.
Genome position (GRCh38, 1-based): chr2:177,550,903, G>C on the plus strand (C>G on the coding strand, the complement: IFT70B is on the minus strand). VCF-style: chr2-177550903-G-C. GRCh37 (hg19) VCF-style: chr2-178415631-G-C.
Other names: short protein forms L621V.
Identifiers: ClinVar variation 2312810 (VCV002312810.8), dbSNP rs200300646, ClinGen allele CA1980522.

ClinVar aggregate classification (germline): Conflicting classifications of pathogenicity. Review status: criteria provided, conflicting classifications (1 of 4 stars). 2 submissions from 2 submitters: Uncertain significance (1); Likely benign (1). Last evaluated 2025-12-01.

Allele frequency attached by ClinVar (database versions not stated): TOPMed 0.00008; gnomAD 0.00010.
gnomAD v4.1: 309 of 1,613,978 alleles (0.019%); highest among the groups gnomAD compares: Non-Finnish European, 0.025%; no homozygotes.

Submissions (2):

CeGaT Center for Human Genetics Tuebingen
Classification: Likely benign. Last evaluated: 2025-12-01. Review status: criteria provided, single submitter. Criteria: CeGaT Center For Human Genetics Tuebingen Variant Classification Criteria Version 2. Collection method: clinical testing. Allele origin: germline. Affected: yes. Observed: 1 variant allele.
Comment: IFT70B: BP4

Ambry Genetics
Classification: Uncertain significance. Last evaluated: 2024-09-02. Review status: criteria provided, single submitter. Criteria: Ambry Variant Classification Scheme 2023. Collection method: clinical testing. Allele origin: germline.